The following is an entry in ClinVar:

NM_016277.5(RAB23):c.70A>G (p.Ser24Gly)

Gene: RAB23 (RAB23, member RAS oncogene family; minus strand). Cytogenetic location: 6p11.2.
Variant type: single nucleotide variant.
Coding change: c.70A>G on transcript NM_016277.5 (MANE Select); coding-DNA position 70, A replaced by G.
Protein change: p.Ser24Gly; replaces serine 24 with glycine.
Molecular consequence: missense variant. On other transcripts: non-coding transcript variant (1).
Genome position (GRCh38, 1-based): chr6:57,210,311, T>C on the plus strand (A>G on the coding strand, the complement: RAB23 is on the minus strand). VCF-style: chr6-57210311-T-C. GRCh37 (hg19) VCF-style: chr6-57075109-T-C.
Other names: c.70A>G, p.Ser24Gly (NM_001278666.2, NM_001278667.2, NM_001278668.2 and 1 more transcripts); short protein forms S24G.
Identifiers: ClinVar variation 4282091 (VCV004282091.1).

ClinVar aggregate classification (germline): Uncertain significance (1 of 4 stars; one submission).

gnomAD v4.1: 6 of 1,613,952 alleles (0.00037%); highest among the groups gnomAD compares: Non-Finnish European, 0.00051%; no homozygotes.

Submission:

GeneDx
Classification: Uncertain significance. Last evaluated: 2025-04-11. Review status: criteria provided, single submitter. Criteria: GeneDx Variant Classification Process June 2021. Collection method: clinical testing. Allele origin: germline. Affected: yes.
Comment: Not observed at significant frequency in large population cohorts (gnomAD); In silico analysis supports that this missense variant has a deleterious effect on protein structure/function; In silico analysis supports a deleterious effect on splicing; Has not been previously published as pathogenic or benign to our knowledge